The following is an entry in ClinVar:

ClinVar aggregate classification (germline): Uncertain significance (1 of 4 stars; one submission).

Conditions:
Charcot-Marie-Tooth disease axonal type 2C (HMSN2C). Also called: CHARCOT-MARIE-TOOTH DISEASE, AXONAL, AUTOSOMAL DOMINANT, TYPE 2C; Charcot-Marie-Tooth Neuropathy Type 2C; Charcot-Marie-Tooth Disease Type 2, TRPV4-Related (CMT2C). Identifiers: Orphanet 99937, MedGen C1853710, MONDO:0011633, OMIM 606071.

gnomAD v4.1: 1 of 1,559,154 alleles (0.000064%); highest among the groups gnomAD compares: Non-Finnish European, 0.000087%; no homozygotes.

Submission:

Labcorp Genetics (formerly Invitae), Labcorp
Classification: Uncertain significance for Charcot-Marie-Tooth disease axonal type 2C. Last evaluated: 2024-03-12. Review status: criteria provided, single submitter. Criteria: Invitae Variant Classification Sherloc (09022015). Collection method: clinical testing. Allele origin: germline.
Comment: This sequence change replaces proline, which is neutral and non-polar, with threonine, which is neutral and polar, at codon 12 of the TRPV4 protein (p.Pro12Thr). This variant is not present in population databases (gnomAD no frequency). This variant has not been reported in the literature in individuals affected with TRPV4-related conditions. Advanced modeling of protein sequence and biophysical properties (such as structural, functional, and spatial information, amino acid conservation, physicochemical variation, residue mobility, and thermodynamic stability) performed at Invitae indicates that this missense variant is not expected to disrupt TRPV4 protein function with a negative predictive value of 95%. In summary, the available evidence is currently insufficient to determine the role of this variant in disease. Therefore, it has been classified as a Variant of Uncertain Significance.

NM_021625.5(TRPV4):c.34C>A (p.Pro12Thr)

Gene: TRPV4 (transient receptor potential cation channel subfamily V member 4; minus strand). Cytogenetic location: 12q24.11.
Variant type: single nucleotide variant.
Coding change: c.34C>A on transcript NM_021625.5 (MANE Select); coding-DNA position 34, C replaced by A.
Protein change: p.Pro12Thr; replaces proline 12 with threonine.
Molecular consequence: missense variant.
Genome position (GRCh38, 1-based): chr12:109,814,763, G>T on the plus strand (C>A on the coding strand, the complement: TRPV4 is on the minus strand). VCF-style: chr12-109814763-G-T. GRCh37 (hg19) VCF-style: chr12-110252568-G-T.
Other names: c.34C>A, p.Pro12Thr (NM_147204.3, NM_001177431.2, NM_001177433.2 and 1 more transcripts); short protein forms P12T.
Identifiers: ClinVar variation 3647313 (VCV003647313.2).